The following is an entry in ClinVar:

ClinVar aggregate classification (germline): Uncertain significance (1 of 4 stars; one submission).

gnomAD v4.1: 4 of 1,614,058 alleles (0.00025%); highest among the groups gnomAD compares: African/African-American, 0.0053%; no homozygotes.

Submission:

Labcorp Genetics (formerly Invitae), Labcorp
Classification: Uncertain significance. Last evaluated: 2025-12-20. Review status: criteria provided, single submitter. Criteria: Invitae Variant Classification Sherloc (09022015). Collection method: clinical testing. Allele origin: germline.
Comment: This sequence change replaces serine, which is neutral and polar, with proline, which is neutral and non-polar, at codon 84 of the GPR45 protein (p.Ser84Pro). This variant is present in population databases (no rsID available, gnomAD 0.01%). This variant has not been reported in the literature in individuals affected with GPR45-related conditions. An algorithm developed to predict the effect of missense changes on protein structure and function (PolyPhen-2) suggests that this variant is likely to be disruptive. In summary, the available evidence is currently insufficient to determine the role of this variant in disease. Therefore, it has been classified as a Variant of Uncertain Significance.

NM_007227.3(GPR45):c.250T>C (p.Ser84Pro)

Gene: GPR45 (G protein-coupled receptor 45; plus strand). Cytogenetic location: 2q12.1.
Variant type: single nucleotide variant.
Coding change: c.250T>C on transcript NM_007227.3 (MANE Select); coding-DNA position 250, T replaced by C.
Protein change: p.Ser84Pro; replaces serine 84 with proline.
Molecular consequence: missense variant.
Genome position (GRCh38, 1-based): chr2:105,242,108, T>C. VCF-style: chr2-105242108-T-C. GRCh37 (hg19) VCF-style: chr2-105858565-T-C.
Other names: short protein forms S84P.
Identifiers: ClinVar variation 4775710 (VCV004775710.1).
Genomic context (GRCh38, chr2:105,242,108, plus strand): 5'-GCTATGCGCTCGGCCATCAACCTGCTGCTGGCCACCCTGGCCTTCTCCGACATCATGCTG[T>C]CCCTCTGCTGCATGCCCTTCACCGCCGTCACCCTCATCACCGTGCGCTGGCACTTTGGGG-3'
Protein context (NP_009158.3, residues 74-94): ATLAFSDIML[Ser84Pro]LCCMPFTAVT